The following is an entry in ClinVar:

ClinVar aggregate classification (germline): Uncertain significance (1 of 4 stars; one submission).

Submission:

Ambry Genetics
Classification: Uncertain significance. Last evaluated: 2024-04-20. Review status: criteria provided, single submitter. Criteria: Ambry Variant Classification Scheme 2023. Collection method: clinical testing. Allele origin: germline.
Comment: The p.S593A variant (also known as c.1777T>G), located in coding exon 13 of the NPAT gene, results from a T to G substitution at nucleotide position 1777. The serine at codon 593 is replaced by alanine, an amino acid with similar properties. This amino acid position is conserved. In addition, this alteration is predicted to be tolerated by in silico analysis. Based on the available evidence, the clinical significance of this variant remains unclear.

NM_002519.3(NPAT):c.1777T>G (p.Ser593Ala)

Gene: NPAT (nuclear protein, coactivator of histone transcription; minus strand). Cytogenetic location: 11q22.3.
Variant type: single nucleotide variant.
Coding change: c.1777T>G on transcript NM_002519.3 (MANE Select); coding-DNA position 1777, T replaced by G.
Protein change: p.Ser593Ala; replaces serine 593 with alanine.
Molecular consequence: missense variant.
Genome position (GRCh38, 1-based): chr11:108,173,207, A>C on the plus strand (T>G on the coding strand, the complement: NPAT is on the minus strand). VCF-style: chr11-108173207-A-C. GRCh37 (hg19) VCF-style: chr11-108043934-A-C.
Other names: c.1777T>G, p.Ser593Ala (NM_001321307.1); short protein forms S593A.
Identifiers: ClinVar variation 3300670 (VCV003300670.1).